The following is an entry in ClinVar:

ClinVar aggregate classification (germline): Uncertain significance (1 of 4 stars; one submission).

Submission:

Labcorp Genetics (formerly Invitae), Labcorp
Classification: Uncertain significance. Last evaluated: 2020-11-17. Review status: criteria provided, single submitter. Criteria: Invitae Variant Classification Sherloc (09022015). Collection method: clinical testing. Allele origin: germline.
Comment: This variant has not been reported in the literature in individuals with ATR-related conditions. In summary, the available evidence is currently insufficient to determine the role of this variant in disease. Therefore, it has been classified as a Variant of Uncertain Significance. Nucleotide substitutions within the consensus splice site are a relatively common cause of aberrant splicing (PMID: 17576681, 9536098). Algorithms developed to predict the effect of sequence changes on RNA splicing suggest that this variant may disrupt the consensus splice site, but this prediction has not been confirmed by published transcriptional studies. This variant is not present in population databases (ExAC no frequency). This sequence change falls in intron 44 of the ATR gene. It does not directly change the encoded amino acid sequence of the ATR protein. It affects a nucleotide within the consensus splice site of the intron.

Literature cited by the submitters: PubMed 17576681; PubMed 9536098.

NM_001184.4(ATR):c.7503+3A>G

Gene: ATR (ATR checkpoint kinase; minus strand). Cytogenetic location: 3q23.
Variant type: single nucleotide variant.
Coding change: c.7503+3A>G on transcript NM_001184.4 (MANE Select); 3 bases into the intron after coding-DNA position 7503, A replaced by G.
Molecular consequence: intron variant.
Genome position (GRCh38, 1-based): chr3:142,458,955, T>C on the plus strand (A>G on the coding strand, the complement: ATR is on the minus strand). VCF-style: chr3-142458955-T-C. GRCh37 (hg19) VCF-style: chr3-142177797-T-C.
Other names: c.7311+3A>G (NM_001354579.2).
Identifiers: ClinVar variation 1348860 (VCV001348860.6), dbSNP rs2108259784, ClinGen allele CA2573136569.